The following is an entry in ClinVar:

ClinVar aggregate classification (germline): Conflicting classifications of pathogenicity. Review status: criteria provided, conflicting classifications (1 of 4 stars). 8 submissions from 8 submitters: Uncertain significance (7); Likely benign (1). Last evaluated 2026-02-13.

Conditions:
Polymicrogyria with or without vascular-type Ehlers-Danlos syndrome. Identifiers: Orphanet 636941, MedGen C5193040, MONDO:0032688, OMIM 618343.
Ehlers-Danlos syndrome, type 4 (EDSVASC). Also called: Ehlers-Danlos syndrome vascular type; Ehlers Danlos syndrome, ecchymotic type; Ehlers Danlos syndrome, arterial type; Ehlers Danlos syndrome, Sack-Barabas type; Ehlers-Danlos Syndrome Type IV. Identifiers: Orphanet 286, MedGen C0268338, MONDO:0017314, OMIM 130050.
Familial thoracic aortic aneurysm and aortic dissection (TAAD). Also called: Thoracic aortic aneurysms and dissections. Identifiers: Orphanet 91387, MedGen C4707243, MONDO:0019625.

Allele frequency attached by ClinVar (database versions not stated): gnomAD 0.00006; gnomAD exomes 0.00007 and 0.00008; ESP Exome Variant Server 0.00008; ExAC 0.00009; TOPMed 0.00011; 1000 Genomes Project 30x 0.00031.

Submissions (8):

Women's Health and Genetics/Laboratory Corporation of America, LabCorp
Classification: Uncertain significance. Last evaluated: 2026-02-13. Review status: criteria provided, single submitter. Criteria: LabCorp Variant Classification Summary - May 2015. Collection method: clinical testing. Allele origin: germline.
Comment: Variant summary: COL3A1 c.1585G>A (p.Val529Ile) results in a conservative amino acid change in the encoded protein sequence. Algorithms developed to predict the effect of missense changes on protein structure and function all suggest that this variant is likely to be tolerated. The variant allele was found at a frequency of 8.3e-05 in 168850 control chromosomes. This frequency is not significantly higher than estimated for disease-causing variants in COL3A1, allowing no conclusion about variant significance. To our knowledge, no occurrence of c.1585G>A in individuals affected with COL3A1-related conditions and no experimental evidence demonstrating its impact on protein function have been reported. ClinVar contains an entry for this variant (Variation ID: 519599). Based on the evidence outlined above, the variant was classified as uncertain significance.

Labcorp Genetics (formerly Invitae), Labcorp
Classification: Uncertain significance for Ehlers-Danlos syndrome, type 4. Last evaluated: 2026-01-21. Review status: criteria provided, single submitter. Criteria: Invitae Variant Classification Sherloc (09022015). Collection method: clinical testing. Allele origin: germline.
Comment: This sequence change replaces valine, which is neutral and non-polar, with isoleucine, which is neutral and non-polar, at codon 529 of the COL3A1 protein (p.Val529Ile). This variant is present in population databases (rs140257722, gnomAD 0.02%). This variant has not been reported in the literature in individuals affected with COL3A1-related conditions. ClinVar contains an entry for this variant (Variation ID: 519599). Invitae Evidence Modeling of protein sequence and biophysical properties (such as structural, functional, and spatial information, amino acid conservation, physicochemical variation, residue mobility, and thermodynamic stability) indicates that this missense variant is not expected to disrupt COL3A1 protein function with a negative predictive value of 95%. In summary, the available evidence is currently insufficient to determine the role of this variant in disease. Therefore, it has been classified as a Variant of Uncertain Significance.

GeneDx
Classification: Uncertain significance. Last evaluated: 2025-06-14. Review status: criteria provided, single submitter. Criteria: GeneDx Variant Classification Process June 2021. Collection method: clinical testing. Allele origin: germline. Affected: yes.
Comment: In silico analysis suggests that this missense variant does not alter protein structure/function; Occurs in the triple helical domain at the X position in the canonical Gly-X-Y repeat; although this variant may have an effect on normal protein folding and function, missense substitution at the X position is not a common mechanism of disease (HGMD); Has not been previously published as pathogenic or benign to our knowledge

Color Diagnostics, LLC DBA Color Health
Classification: Likely benign for Familial thoracic aortic aneurysm and aortic dissection. Last evaluated: 2024-05-20. Review status: criteria provided, single submitter. Criteria: ACMG Guidelines, 2015. Collection method: clinical testing. Allele origin: germline.

All of Us Research Program, National Institutes of Health
Classification: Uncertain significance for Ehlers-Danlos syndrome, type 4. Last evaluated: 2024-02-05. Review status: criteria provided, single submitter. Criteria: ACMG Guidelines, 2015. Collection method: clinical testing. Allele origin: germline. Inheritance: Autosomal dominant inheritance. Observed: 14 variant alleles, 14 heterozygotes.
Comment: This missense variant replaces valine with isoleucine at codon 529 of the COL3A1 protein. Computational prediction suggests that this variant may not impact protein structure and function (internally defined REVEL score threshold <= 0.5, PMID: 27666373). To our knowledge, functional studies have not been reported for this variant. This variant has not been reported in individuals affected with cardiovascular disorders in the literature. This variant has been identified in 14/168850 chromosomes in the general population by the Genome Aggregation Database (gnomAD). The available evidence is insufficient to determine the role of this variant in disease conclusively. Therefore, this variant is classified as a Variant of Uncertain Significance.

This study involves interpretation of variants in research participants for the purpose of population health screening. Participant phenotype was not available at the time of variant classification. Additional details can be found in publication PMID: 35346344, PMCID: PMC8962531

Blueprint Genetics
Classification: Uncertain significance. Last evaluated: 2023-07-11. Review status: criteria provided, single submitter. Criteria: ACMG Guidelines, 2015. Collection method: clinical testing. Allele origin: germline.

Fulgent Genetics
Classification: Uncertain significance for Ehlers-Danlos syndrome, type 4; Polymicrogyria with or without vascular-type Ehlers-Danlos syndrome. Last evaluated: 2021-09-16. Review status: criteria provided, single submitter. Criteria: ACMG Guidelines, 2015. Collection method: clinical testing. Allele origin: unknown.

Ambry Genetics
Classification: Uncertain significance for Familial thoracic aortic aneurysm and aortic dissection. Last evaluated: 2021-05-28. Review status: criteria provided, single submitter. Criteria: Ambry Variant Classification Scheme 2023. Collection method: clinical testing. Allele origin: germline.
Comment: The p.V529I variant (also known as c.1585G>A), located in coding exon 22 of the COL3A1 gene, results from a G to A substitution at nucleotide position 1585. The valine at codon 529 is replaced by isoleucine, an amino acid with highly similar properties. This amino acid position is poorly conserved in available vertebrate species. In addition, this alteration is predicted to be tolerated by in silico analysis. Since supporting evidence is limited at this time, the clinical significance of this variant remains unclear.

NM_000090.4(COL3A1):c.1585G>A (p.Val529Ile)

Gene: COL3A1 (collagen type III alpha 1 chain; plus strand). Cytogenetic location: 2q32.2.
Variant type: single nucleotide variant.
Coding change: c.1585G>A on transcript NM_000090.4 (MANE Select); coding-DNA position 1585, G replaced by A.
Protein change: p.Val529Ile; replaces valine 529 with isoleucine.
Molecular consequence: missense variant.
Genome position (GRCh38, 1-based): chr2:188,995,767, G>A. VCF-style: chr2-188995767-G-A. GRCh37 (hg19) VCF-style: chr2-189860493-G-A.
Other names: short protein forms V529I.
Identifiers: ClinVar variation 519599 (VCV000519599.60), dbSNP rs140257722, ClinGen allele CA074475.